The following is an entry in ClinVar:

ClinVar aggregate classification (germline): Benign. Review status: criteria provided, multiple submitters, no conflicts (2 of 4 stars). 3 submissions from 3 submitters: Benign (3). Last evaluated 2026-04-01.

Conditions:
Pseudohypoaldosteronism type 2B (PHA2B). Also called: Pseudohypoaldosteronism Type IIB. Identifiers: Orphanet 757, Orphanet 88939, MedGen C1840390, MONDO:0013777, OMIM 614491.

Allele frequency attached by ClinVar (database versions not stated): TOPMed 0.00100; 1000 Genomes Project 30x 0.00109; ESP Exome Variant Server 0.00115; 1000 Genomes Project 0.00140.

Submissions (3):

CeGaT Center for Human Genetics Tuebingen
Classification: Benign. Last evaluated: 2026-04-01. Review status: criteria provided, single submitter. Criteria: CeGaT Center For Human Genetics Tuebingen Variant Classification Criteria Version 2. Collection method: clinical testing. Allele origin: germline. Affected: yes. Observed: 3 variant alleles.
Comment: WNK4: BP4, BS1, BS2

Labcorp Genetics (formerly Invitae), Labcorp
Classification: Benign. Last evaluated: 2025-12-19. Review status: criteria provided, single submitter. Criteria: Invitae Variant Classification Sherloc (09022015). Collection method: clinical testing. Allele origin: germline.

Illumina Laboratory Services, Illumina
Classification: Benign for Pseudohypoaldosteronism type 2B. Last evaluated: 2018-01-12. Review status: criteria provided, single submitter. Criteria: ICSL Variant Classification Criteria 13 December 2019. Collection method: clinical testing. Allele origin: germline.
Comment: This variant was observed in the ICSL laboratory as part of a predisposition screen in an ostensibly healthy population. It had not been previously curated by ICSL or reported in the Human Gene Mutation Database (HGMD: prior to June 1st, 2018), and was therefore a candidate for classification through an automated scoring system. Utilizing variant allele frequency, disease prevalence and penetrance estimates, and inheritance mode, an automated score was calculated to assess if this variant is too frequent to cause the disease. Based on the score and internal cut-off values, a variant classified as benign is not then subjected to further curation. The score for this variant resulted in a classification of benign for this disease.

NM_032387.5(WNK4):c.3251T>C (p.Val1084Ala)

Gene: WNK4 (WNK lysine deficient protein kinase 4; plus strand). Cytogenetic location: 17q21.2.
Variant type: single nucleotide variant.
Coding change: c.3251T>C on transcript NM_032387.5 (MANE Select); coding-DNA position 3251, T replaced by C.
Protein change: p.Val1084Ala; replaces valine 1084 with alanine.
Molecular consequence: missense variant.
Genome position (GRCh38, 1-based): chr17:42,795,853, T>C. VCF-style: chr17-42795853-T-C. GRCh37 (hg19) VCF-style: chr17-40947871-T-C.
Other names: c.2243T>C, p.Val748Ala (NM_001321299.2); short protein forms V1084A, V748A.
Identifiers: ClinVar variation 323351 (VCV000323351.36), dbSNP rs148648427, ClinGen allele CA8584547.